The following is an entry in ClinVar:

ClinVar aggregate classification (germline): Uncertain significance (1 of 4 stars; one submission).

Conditions:
Arrhythmogenic right ventricular dysplasia 10. Also called: Arrhythmogenic Right Ventricular Dysplasia/Cardiomyopathy10; ARRHYTHMOGENIC RIGHT VENTRICULAR DYSPLASIA, FAMILIAL, 10; Arrhythmogenic right ventricular dysplasia/cardiomyopathy, type 10. Identifiers: MedGen C1857777, MONDO:0012434, OMIM 610193.

Submission:

Labcorp Genetics (formerly Invitae), Labcorp
Classification: Uncertain significance for Arrhythmogenic right ventricular dysplasia 10. Last evaluated: 2025-12-29. Review status: criteria provided, single submitter. Criteria: Invitae Variant Classification Sherloc (09022015). Collection method: clinical testing. Allele origin: germline.
Comment: This sequence change replaces glutamic acid, which is acidic and polar, with valine, which is neutral and non-polar, at codon 456 of the DSG2 protein (p.Glu456Val). This variant is not present in population databases (gnomAD no frequency). This variant has not been reported in the literature in individuals affected with DSG2-related conditions. Invitae Evidence Modeling of protein sequence and biophysical properties (such as structural, functional, and spatial information, amino acid conservation, physicochemical variation, residue mobility, and thermodynamic stability) has been performed for this missense variant. However, the output from this modeling did not meet the statistical confidence thresholds required to predict the impact of this variant on DSG2 protein function. In summary, the available evidence is currently insufficient to determine the role of this variant in disease. Therefore, it has been classified as a Variant of Uncertain Significance.

NM_001943.5(DSG2):c.1367A>T (p.Glu456Val)

Gene: DSG2 (desmoglein 2; plus strand). Cytogenetic location: 18q12.1.
Variant type: single nucleotide variant.
Coding change: c.1367A>T on transcript NM_001943.5 (MANE Select); coding-DNA position 1367, A replaced by T.
Protein change: p.Glu456Val; replaces glutamic acid 456 with valine.
Molecular consequence: missense variant.
Genome position (GRCh38, 1-based): chr18:31,535,356, A>T. VCF-style: chr18-31535356-A-T. GRCh37 (hg19) VCF-style: chr18-29115319-A-T.
Other names: short protein forms E456V.
Identifiers: ClinVar variation 4803004 (VCV004803004.1).
Genomic context (GRCh38, chr18:31,535,356, plus strand): 5'-ATTGGATCTCTGTGGATTCTGTCACATCTGAAATTAAACTTGCAAAACTTCCTGATTTTG[A>T]ATCTAGATATGTTCAAAATGGCACATACACTGTAAAGATTGTGGCCATATCAGAAGGTAA-3'
Protein context (NP_001934.2, residues 446-466): EIKLAKLPDF[Glu456Val]SRYVQNGTYT